The following is an entry in ClinVar:

ClinVar aggregate classification (germline): Uncertain significance (1 of 4 stars; one submission).

Conditions:
Hereditary cancer-predisposing syndrome. Also called: Hereditary Cancer Syndrome; Hereditary neoplastic syndrome; Neoplastic Syndromes, Hereditary; Tumor predisposition. Identifiers: Orphanet 140162, MedGen C0027672, MeSH D009386, MONDO:0015356.

Submission:

Ambry Genetics
Classification: Uncertain significance for Hereditary cancer-predisposing syndrome. Last evaluated: 2021-12-21. Review status: criteria provided, single submitter. Criteria: Ambry Variant Classification Scheme 2023. Collection method: clinical testing. Allele origin: germline.
Comment: The p.P51R variant (also known as c.152C>G), located in coding exon 1 of the SUFU gene, results from a C to G substitution at nucleotide position 152. The proline at codon 51 is replaced by arginine, an amino acid with dissimilar properties. This amino acid position is highly conserved in available vertebrate species. In addition, this alteration is predicted to be deleterious by in silico analysis. Since supporting evidence is limited at this time, the clinical significance of this alteration remains unclear.

NM_016169.4(SUFU):c.152C>G (p.Pro51Arg)

Gene: SUFU (SUFU negative regulator of hedgehog signaling; plus strand). Cytogenetic location: 10q24.32.
Variant type: single nucleotide variant.
Coding change: c.152C>G on transcript NM_016169.4 (MANE Select); coding-DNA position 152, C replaced by G.
Protein change: p.Pro51Arg; replaces proline 51 with arginine.
Molecular consequence: missense variant.
Genome position (GRCh38, 1-based): chr10:102,504,304, C>G. VCF-style: chr10-102504304-C-G. GRCh37 (hg19) VCF-style: chr10-104264061-C-G.
Other names: c.152C>G, p.Pro51Arg (NM_001178133.2); short protein forms P51R.
Identifiers: ClinVar variation 1774590 (VCV001774590.2), dbSNP rs2544831707, ClinGen allele CA377886669.